The following is an entry in ClinVar:

ClinVar aggregate classification (germline): Uncertain significance. Review status: criteria provided, single submitter (1 of 4 stars). 2 submissions from 2 submitters: Uncertain significance (1). 1 of the submissions does not count toward it. Last evaluated 2025-04-05.

Allele frequency attached by ClinVar (database versions not stated): TOPMed 0.00002; gnomAD exomes below 0.00001 and 0.00001; gnomAD 0.00001.
gnomAD v4.1: 7 of 1,612,144 alleles (0.00043%); highest among the groups gnomAD compares: Admixed American, 0.01%; no homozygotes.

Submissions (2):

Ambry Genetics
Classification: Uncertain significance. Last evaluated: 2025-04-05. Review status: criteria provided, single submitter. Criteria: Ambry Variant Classification Scheme 2023. Collection method: clinical testing. Allele origin: germline.
Comment: The p.G638A variant (also known as c.1913G>C), located in coding exon 2 of the CDK12 gene, results from a G to C substitution at nucleotide position 1913. The glycine at codon 638 is replaced by alanine, an amino acid with similar properties. This amino acid position is conserved. In addition, this alteration is predicted to be tolerated by in silico analysis. Based on the available evidence, the clinical significance of this variant remains unclear.

ITMI
No classification provided. Condition: AllHighlyPenetrant. Last evaluated: 2013-09-19. Review status: no classification provided. Collection method: reference population. Allele origin: germline. Not counted in ClinVar's aggregate classification.
Comment: Please see associated publication for description of ethnicities

Literature cited by the submitters: PubMed 24728327 (cited by ITMI).

NM_016507.4(CDK12):c.1913G>C (p.Gly638Ala)

Gene: CDK12 (cyclin dependent kinase 12; plus strand). Cytogenetic location: 17q12.
Variant type: single nucleotide variant.
Coding change: c.1913G>C on transcript NM_016507.4 (MANE Select); coding-DNA position 1913, G replaced by C.
Protein change: p.Gly638Ala; replaces glycine 638 with alanine.
Molecular consequence: missense variant.
Genome position (GRCh38, 1-based): chr17:39,471,745, G>C. VCF-style: chr17-39471745-G-C. GRCh37 (hg19) VCF-style: chr17-37627998-G-C.
Other names: c.1913G>C, p.Gly638Ala (NM_015083.4); c.1913G>C (NM_016507.2); short protein forms G638A.
Identifiers: ClinVar variation 133871 (VCV000133871.2), dbSNP rs587778183, ClinGen allele CA158037.